The following is an entry in ClinVar:

NM_014391.3(ANKRD1):c.346-19T>A

Gene: ANKRD1 (ankyrin repeat domain 1; minus strand). Cytogenetic location: 10q23.31.
Variant type: single nucleotide variant.
Coding change: c.346-19T>A on transcript NM_014391.3 (MANE Select); 19 bases into the intron before coding-DNA position 346, T replaced by A.
Molecular consequence: intron variant.
Genome position (GRCh38, 1-based): chr10:90,918,991, A>T on the plus strand (T>A on the coding strand, the complement: ANKRD1 is on the minus strand). VCF-style: chr10-90918991-A-T. GRCh37 (hg19) VCF-style: chr10-92678748-A-T.
Identifiers: ClinVar variation 136402 (VCV000136402.14), dbSNP rs10881854, ClinGen allele CA333051.
Genomic context (GRCh38, chr10:90,918,991, plus strand): 5'-CAGAGCAGCCTTCAGAAACGTAGGCACATCCACAGGTTCCGTCTAAAGCCAAAATAAATA[A>T]ATATATATATATATATATATATATAGCATGAGAGTTACCGTGAGCTTGCCAGCATTCAAT-3'

ClinVar aggregate classification (germline): Benign. Review status: criteria provided, multiple submitters, no conflicts (2 of 4 stars). 7 submissions from 7 submitters: Benign (5). 2 of the submissions do not count toward it. Last evaluated 2026-02-04.

Conditions:
ANKRD1-related dilated cardiomyopathy. Identifiers: MedGen CN119551.

Allele frequency attached by ClinVar (database versions not stated): gnomAD exomes 0.00749 and 0.10582; gnomAD 0.05519; ExAC 0.05607; 1000 Genomes Project 0.78454.
gnomAD v4.1: 31,126 of 231,224 alleles (13%); highest among the groups gnomAD compares: Admixed American, 28%; 1,024 homozygotes.

Submissions (12):

Labcorp Genetics (formerly Invitae), Labcorp
Classification: Benign for ANKRD1-related dilated cardiomyopathy. Last evaluated: 2026-02-04. Review status: criteria provided, single submitter. Criteria: Invitae Variant Classification Sherloc (09022015). Collection method: clinical testing. Allele origin: germline.

Women's Health and Genetics/Laboratory Corporation of America, LabCorp
Classification: Benign. Last evaluated: 2017-07-31. Review status: criteria provided, single submitter. Criteria: LabCorp Variant Classification Summary - May 2015. Collection method: clinical testing. Allele origin: germline.
Comment: Variant summary: The ANKRD1 c.346-19T>A variant involves the alteration of a non-conserved intronic nucleotide. Mutation taster predicts a benign outcome for this variant. 3/5 splice prediction tools predict no significant impact on normal splicing. However, these predictions have yet to be confirmed by functional studies. This variant was found in 473/8436 control chromosomes (12 homozygotes) from ExAC at a frequency of 0.0560692, which is approximately 1631 times the estimated maximal expected allele frequency of a pathogenic ANKRD1 variant (0.0000344), suggesting this variant is likely a benign polymorphism. In addition, one clinical diagnostic laboratory (via ClinVar) has classified this variant as benign. The variant of interest has not, to our knowledge, been reported in affected individuals in literature. Taken together, this variant is classified as benign.

Mayo Clinic Laboratories, Mayo Clinic
Classification: Benign. Last evaluated: 2014-05-08. Review status: criteria provided, single submitter. Criteria: ACMG Guidelines, 2015. Collection method: clinical testing. Allele origin: germline. Observed: 287 variant alleles.

GeneDx
Classification: Benign. Last evaluated: 2013-07-30. Review status: criteria provided, single submitter. Criteria: GeneDx Variant Classification (06012015). Collection method: clinical testing. Allele origin: germline. Affected: yes.
Comment: This variant is considered likely benign or benign based on one or more of the following criteria: it is a conservative change, it occurs at a poorly conserved position in the protein, it is predicted to be benign by multiple in silico algorithms, and/or has population frequency not consistent with disease.

Breakthrough Genomics
Classification: Benign. Review status: criteria provided, single submitter. Criteria: ACMG Guidelines, 2015. Collection method: not provided. Allele origin: germline. Inheritance: Unknown mechanism. Affected: yes.

Clinical Genetics, Academic Medical Center
Classification: Benign. Review status: no assertion criteria provided. Collection method: clinical testing. Allele origin: germline. Affected: yes. Study: VKGL Data-share Consensus. Not counted in ClinVar's aggregate classification.

Dr. Peter K. Rogan Lab, Western University
No classification provided (evidence only). Condition: Uterine corpus endometrial carcinoma. Review status: no classification provided. Collection method: in vitro. Allele origin: not applicable. Functional consequence: retained intron. Not counted in ClinVar's aggregate classification.

Dr. Peter K. Rogan Lab, Western University
No classification provided (evidence only). Condition: Cervical cancer. Review status: no classification provided. Collection method: in vitro. Allele origin: not applicable. Functional consequence: skipped exon. Not counted in ClinVar's aggregate classification.

Dr. Peter K. Rogan Lab, Western University
No classification provided (evidence only). Condition: Gastric cancer. Review status: no classification provided. Collection method: in vitro. Allele origin: not applicable. Functional consequence: retained intron. Not counted in ClinVar's aggregate classification.

Dr. Peter K. Rogan Lab, Western University
No classification provided (evidence only). Condition: Uterine carcinosarcoma. Review status: no classification provided. Collection method: in vitro. Allele origin: not applicable. Functional consequence: retained intron. Not counted in ClinVar's aggregate classification.

Dr. Peter K. Rogan Lab, Western University
No classification provided (evidence only). Condition: Uterine carcinosarcoma. Review status: no classification provided. Collection method: in vitro. Allele origin: not applicable. Functional consequence: retained intron. Not counted in ClinVar's aggregate classification.

Genome Diagnostics Laboratory, University Medical Center Utrecht
Classification: Benign. Review status: no assertion criteria provided. Collection method: clinical testing. Allele origin: germline. Affected: yes. Study: VKGL Data-share Consensus. Not counted in ClinVar's aggregate classification.